The following is an entry in ClinVar:

ClinVar aggregate classification (germline): Uncertain significance. Review status: criteria provided, multiple submitters, no conflicts (2 of 4 stars). 2 submissions from 2 submitters: Uncertain significance (2). Last evaluated 2025-06-10.

Conditions:
Inborn genetic diseases. Identifiers: MedGen C0950123, MeSH D030342.
Regional enteritis. Also called: Enteritis, Granulomatous. Identifiers: MedGen C0678202, MeSH D003424.
Blau syndrome (BLAUS). Also called: ARTHROCUTANEOUVEAL GRANULOMATOSIS; GRANULOMATOSIS, FAMILIAL JUVENILE SYSTEMIC; GRANULOMATOSIS, FAMILIAL, BLAU TYPE; GRANULOMATOUS INFLAMMATORY ARTHRITIS, DERMATITIS, AND UVEITIS, FAMILIAL; JABS SYNDROME. Identifiers: Orphanet 90340, MedGen C5201146, MONDO:0008523, OMIM 186580.

Submissions (2):

Ambry Genetics
Classification: Uncertain significance for Inborn genetic diseases. Last evaluated: 2025-06-10. Review status: criteria provided, single submitter. Criteria: Ambry Variant Classification Scheme 2023. Collection method: clinical testing. Allele origin: germline.

Labcorp Genetics (formerly Invitae), Labcorp
Classification: Uncertain significance for Regional enteritis; Blau syndrome. Last evaluated: 2024-06-11. Review status: criteria provided, single submitter. Criteria: Invitae Variant Classification Sherloc (09022015). Collection method: clinical testing. Allele origin: germline.
Comment: This sequence change replaces leucine, which is neutral and non-polar, with glutamine, which is neutral and polar, at codon 754 of the NOD2 protein (p.Leu754Gln). This variant is not present in population databases (gnomAD no frequency). This variant has not been reported in the literature in individuals affected with NOD2-related conditions. Advanced modeling of protein sequence and biophysical properties (such as structural, functional, and spatial information, amino acid conservation, physicochemical variation, residue mobility, and thermodynamic stability) performed at Invitae indicates that this missense variant is not expected to disrupt NOD2 protein function with a negative predictive value of 95%. In summary, the available evidence is currently insufficient to determine the role of this variant in disease. Therefore, it has been classified as a Variant of Uncertain Significance.

NM_001370466.1(NOD2):c.2180T>A (p.Leu727Gln)

Gene: NOD2 (nucleotide binding oligomerization domain containing 2; plus strand). Cytogenetic location: 16q12.1.
Variant type: single nucleotide variant.
Coding change: c.2180T>A on transcript NM_001370466.1 (MANE Select); coding-DNA position 2180, T replaced by A.
Protein change: p.Leu727Gln; replaces leucine 727 with glutamine.
Molecular consequence: missense variant. On other transcripts: non-coding transcript variant (1).
Genome position (GRCh38, 1-based): chr16:50,712,172, T>A. VCF-style: chr16-50712172-T-A. GRCh37 (hg19) VCF-style: chr16-50746083-T-A.
Other names: c.2180T>A, p.Leu727Gln (NM_001293557.2); c.2261T>A, p.Leu754Gln (NM_022162.3); short protein forms L727Q, L754Q.
Identifiers: ClinVar variation 3754227 (VCV003754227.3).